The following is an entry in ClinVar:

ClinVar aggregate classification (germline): Likely benign. Review status: criteria provided, multiple submitters, no conflicts (2 of 4 stars). 2 submissions from 2 submitters: Likely benign (2). Last evaluated 2025-01-01.

Conditions:
Developmental and epileptic encephalopathy, 9 (DEE9). Also called: Early infantile epileptic encephalopathy 9; EPILEPSY, FEMALE-RESTRICTED, WITH MENTAL RETARDATION; JUBERG-HELLMAN SYNDROME; PCDH19-Related X-Linked Female-Limited Epilepsy with Mental Retardation. Identifiers: Orphanet 101039, Orphanet 2076, MedGen C1848137, MONDO:0010246, OMIM 300088. Disease mechanism: loss of function.

Submissions (2):

CeGaT Center for Human Genetics Tuebingen
Classification: Likely benign. Last evaluated: 2025-01-01. Review status: criteria provided, single submitter. Criteria: CeGaT Center For Human Genetics Tuebingen Variant Classification Criteria Version 2. Collection method: clinical testing. Allele origin: germline. Affected: yes. Observed: 1 variant allele.
Comment: PCDH19: PM2:Supporting, BP4, BP7

Labcorp Genetics (formerly Invitae), Labcorp
Classification: Likely benign for Developmental and epileptic encephalopathy, 9. Last evaluated: 2023-11-27. Review status: criteria provided, single submitter. Criteria: Invitae Variant Classification Sherloc (09022015). Collection method: clinical testing. Allele origin: germline.

NM_001184880.2(PCDH19):c.1446G>T (p.Leu482=)

Gene: PCDH19 (protocadherin 19; minus strand). Cytogenetic location: Xq22.1.
Variant type: single nucleotide variant.
Coding change: c.1446G>T on transcript NM_001184880.2 (MANE Select); coding-DNA position 1446, G replaced by T.
Protein change: p.Leu482=; no amino-acid change (leucine 482 retained).
Molecular consequence: synonymous variant.
Genome position (GRCh38, 1-based): chrX:100,407,152, C>A on the plus strand (G>T on the coding strand, the complement: PCDH19 is on the minus strand). VCF-style: chrX-100407152-C-A. GRCh37 (hg19) VCF-style: chrX-99662150-C-A.
Other names: c.1446G>T, p.Leu482= (NM_001105243.2, NM_020766.3).
Identifiers: ClinVar variation 2762128 (VCV002762128.16), dbSNP rs2520982152, ClinGen allele CA517748301.